The following is an entry in ClinVar:

NM_002473.6(MYH9):c.5309G>A (p.Arg1770His)

Gene: MYH9 (myosin heavy chain 9; minus strand). Cytogenetic location: 22q12.3.
Variant type: single nucleotide variant.
Coding change: c.5309G>A on transcript NM_002473.6 (MANE Select); coding-DNA position 5309, G replaced by A.
Protein change: p.Arg1770His; replaces arginine 1770 with histidine.
Molecular consequence: missense variant.
Genome position (GRCh38, 1-based): chr22:36,285,295, C>T on the plus strand (G>A on the coding strand, the complement: MYH9 is on the minus strand). VCF-style: chr22-36285295-C-T. GRCh37 (hg19) VCF-style: chr22-36681341-C-T.
Other names: p.Arg1770His; short protein forms R1770H.
Identifiers: ClinVar variation 2683570 (VCV002683570.2), dbSNP rs746118702, ClinGen allele CA10209086.
Genomic context (GRCh38, chr22:36,285,295, plus strand): 5'-AGCTCCTTGTTCTGGCGTTCCAGCTGCTGCCGAGCATTCTCGTTCTTCTGGGCGTGGCTG[C>T]GCTCCAGGTTCAGGTCGGTGTTGATCTGGTCGATCTGCAGAAGAAGGGCCAGTGACCTTG-3'
Protein context (NP_002464.1, residues 1760-1780): DQINTDLNLE[Arg1770His]SHAQKNENAR

ClinVar aggregate classification (germline): Conflicting classifications of pathogenicity. Review status: criteria provided, conflicting classifications (1 of 4 stars). 2 submissions from 2 submitters: Uncertain significance (1); Likely benign (1). Last evaluated 2025-11-07.

Allele frequency attached by ClinVar (database versions not stated): ExAC 0.00002.
gnomAD v4.1: 22 of 1,612,858 alleles (0.0014%); highest among the groups gnomAD compares: Admixed American, 0.0017%; no homozygotes.

Submissions (2):

Labcorp Genetics (formerly Invitae), Labcorp
Classification: Likely benign. Last evaluated: 2025-11-07. Review status: criteria provided, single submitter. Criteria: Invitae Variant Classification Sherloc (09022015). Collection method: clinical testing. Allele origin: germline.

Mayo Clinic Laboratories, Mayo Clinic
Classification: Uncertain significance. Last evaluated: 2023-05-14. Review status: criteria provided, single submitter. Criteria: ACMG Guidelines, 2015. Collection method: clinical testing. Allele origin: germline. Observed: 1 variant allele.
Comment: PP2, PP3